The following is an entry in ClinVar:

ClinVar aggregate classification (germline): Benign. Review status: criteria provided, multiple submitters, no conflicts (2 of 4 stars). 6 submissions from 6 submitters: Benign (4). 2 of the submissions do not count toward it. Last evaluated 2026-09-01.

Conditions:
Treacher Collins syndrome 1 (TCS1). Also called: TCOF1-Related Treacher Collins Syndrome. Identifiers: Orphanet 861, MedGen CN315775, MONDO:0007944, OMIM 154500.

Allele frequency attached by ClinVar (database versions not stated): 1000 Genomes Project 0.00240; 1000 Genomes Project 30x 0.00281; TOPMed 0.00650; gnomAD exomes 0.00746 and 0.00981; ExAC 0.00766; gnomAD 0.00787 and 0.00814; ESP Exome Variant Server 0.00892.
gnomAD v4.1: 15,425 of 1,614,248 alleles (0.96%); highest among the groups gnomAD compares: Non-Finnish European, 1.1%; 102 homozygotes.

Submissions (6):

CeGaT Center for Human Genetics Tuebingen
Classification: Benign. Last evaluated: 2026-09-01. Review status: criteria provided, single submitter. Criteria: CeGaT Center For Human Genetics Tuebingen Variant Classification Criteria Version 2. Collection method: clinical testing. Allele origin: germline. Affected: yes. Observed: 5 variant alleles.
Comment: TCOF1: BP4, BS1, BS2

Labcorp Genetics (formerly Invitae), Labcorp
Classification: Benign for Treacher Collins syndrome 1. Last evaluated: 2026-01-19. Review status: criteria provided, single submitter. Criteria: Invitae Variant Classification Sherloc (09022015). Collection method: clinical testing. Allele origin: germline.

GeneDx
Classification: Benign. Last evaluated: 2020-03-05. Review status: criteria provided, single submitter. Criteria: GeneDx Variant Classification Process June 2021. Collection method: clinical testing. Allele origin: germline. Affected: yes.
Comment: This variant is associated with the following publications: (PMID: 28065470)

Eurofins Ntd Llc (ga)
Classification: Benign. Last evaluated: 2017-12-13. Review status: criteria provided, single submitter. Criteria: EGL Classification Definitions 2015. Collection method: clinical testing. Allele origin: germline. Observed: 1 variant allele, 1 heterozygote.

Clinical Genetics DNA and cytogenetics Diagnostics Lab, Erasmus MC, Erasmus Medical Center
Classification: Likely benign. Review status: no assertion criteria provided. Collection method: clinical testing. Allele origin: germline. Affected: yes. Study: VKGL Data-share Consensus. Not counted in ClinVar's aggregate classification.

Laboratory of Diagnostic Genome Analysis, Leiden University Medical Center (LUMC)
Classification: Likely benign. Review status: no assertion criteria provided. Collection method: clinical testing. Allele origin: germline. Affected: yes. Study: VKGL Data-share Consensus. Not counted in ClinVar's aggregate classification.

NM_001371623.1(TCOF1):c.1783G>A (p.Val595Ile)

Gene: TCOF1 (treacle ribosome biogenesis factor 1; plus strand). Cytogenetic location: 5q32.
Variant type: single nucleotide variant.
Coding change: c.1783G>A on transcript NM_001371623.1 (MANE Select); coding-DNA position 1783, G replaced by A.
Protein change: p.Val595Ile; replaces valine 595 with isoleucine.
Molecular consequence: missense variant.
Genome position (GRCh38, 1-based): chr5:150,375,799, G>A. VCF-style: chr5-150375799-G-A. GRCh37 (hg19) VCF-style: chr5-149755362-G-A.
Other names: c.1552G>A, p.Val518Ile (NM_000356.4, NM_001135245.2); c.1783G>A, p.Val595Ile (NM_001008657.3, NM_001135243.2, NM_001135244.2 and 1 more transcripts); short protein forms V518I, V595I.
Identifiers: ClinVar variation 352213 (VCV000352213.40), dbSNP rs75583421, ClinGen allele CA3510999.